The following is an entry in ClinVar:

ClinVar aggregate classification (germline): Uncertain significance. Review status: criteria provided, multiple submitters, no conflicts (2 of 4 stars). 2 submissions from 2 submitters: Uncertain significance (2). Last evaluated 2026-01-11.

Conditions:
Hereditary cancer-predisposing syndrome. Also called: Hereditary neoplastic syndrome; Hereditary Cancer Syndrome; Neoplastic Syndromes, Hereditary; Tumor predisposition. Identifiers: Orphanet 140162, MedGen C0027672, MeSH D009386, MONDO:0015356.
Rhabdoid tumor predisposition syndrome 2 (RTPS2). Identifiers: Orphanet 231108, Orphanet 69077, MedGen C2750074, MONDO:0013224, OMIM 613325.

Submissions (2):

Labcorp Genetics (formerly Invitae), Labcorp
Classification: Uncertain significance for Rhabdoid tumor predisposition syndrome 2. Last evaluated: 2026-01-11. Review status: criteria provided, single submitter. Criteria: Invitae Variant Classification Sherloc (09022015). Collection method: clinical testing. Allele origin: germline.
Comment: This sequence change replaces tyrosine, which is neutral and polar, with phenylalanine, which is neutral and non-polar, at codon 769 of the SMARCA4 protein (p.Tyr769Phe). This variant is not present in population databases (gnomAD no frequency). This variant has not been reported in the literature in individuals affected with SMARCA4-related conditions. ClinVar contains an entry for this variant (Variation ID: 2567148). Invitae Evidence Modeling of protein sequence and biophysical properties (such as structural, functional, and spatial information, amino acid conservation, physicochemical variation, residue mobility, and thermodynamic stability) has been performed for this missense variant. However, the output from this modeling did not meet the statistical confidence thresholds required to predict the impact of this variant on SMARCA4 protein function. In summary, the available evidence is currently insufficient to determine the role of this variant in disease. Therefore, it has been classified as a Variant of Uncertain Significance.

Ambry Genetics
Classification: Uncertain significance for Hereditary cancer-predisposing syndrome. Last evaluated: 2023-05-16. Review status: criteria provided, single submitter. Criteria: Ambry Variant Classification Scheme 2023. Collection method: clinical testing. Allele origin: germline.
Comment: The p.Y769F variant (also known as c.2306A>T), located in coding exon 15 of the SMARCA4 gene, results from an A to T substitution at nucleotide position 2306. The tyrosine at codon 769 is replaced by phenylalanine, an amino acid with highly similar properties. This amino acid position is highly conserved in available vertebrate species. In addition, the in silico prediction for this alteration is inconclusive. Missense and in-frame variants in SMARCA4 are known to cause neurodevelopmental disorders; however, such associations with rhabdoid tumor predisposition syndrome including small cell carcinoma of the ovary-hypercalcemic type (SCCOHT) are exceedingly rare (Kosho T et al. Am J Med Genet C Semin Med Genet. 2014 Sep;166C(3):262-75; Jelinic P et al. Nat Genet. 2014 May;46(5):424-6). Since supporting evidence is limited at this time, the clinical significance of this alteration remains unclear.

NM_003072.5(SMARCA4):c.2306A>T (p.Tyr769Phe)

Gene: SMARCA4 (SWI/SNF related BAF chromatin remodeling complex subunit ATPase 4; plus strand). Cytogenetic location: 19p13.2.
Variant type: single nucleotide variant.
Coding change: c.2306A>T on transcript NM_003072.5 (MANE Select); coding-DNA position 2306, A replaced by T.
Protein change: p.Tyr769Phe; replaces tyrosine 769 with phenylalanine.
Molecular consequence: missense variant. On other transcripts: non-coding transcript variant (1).
Genome position (GRCh38, 1-based): chr19:11,012,980, A>T. VCF-style: chr19-11012980-A-T. GRCh37 (hg19) VCF-style: chr19-11123656-A-T.
Other names: c.2306A>T, p.Tyr769Phe (NM_001128844.3, NM_001128845.2, NM_001128846.2 and 6 more transcripts); short protein forms Y769F.
Identifiers: ClinVar variation 2567148 (VCV002567148.3), dbSNP rs2146277522, ClinGen allele CA404053066.